The following is an entry in ClinVar:

NM_013247.5(HTRA2):c.1355T>G (p.Val452Gly)

Genes: HTRA2 (HtrA serine peptidase 2; plus strand), LOXL3 (lysyl oxidase like 3; minus strand). Cytogenetic location: 2p13.1.
Variant type: single nucleotide variant.
Coding change: c.1355T>G on transcript NM_013247.5 (MANE Select); coding-DNA position 1355, T replaced by G.
Protein change: p.Val452Gly; replaces valine 452 with glycine.
Molecular consequence: missense variant. On other transcripts: non-coding transcript variant (4), 3 prime UTR variant (3).
Genome position (GRCh38, 1-based): chr2:74,532,963, T>G. VCF-style: chr2-74532963-T-G. GRCh37 (hg19) VCF-style: chr2-74760090-T-G.
Other names: c.1289T>G, p.Val430Gly (NM_001321727.1); c.1259T>G, p.Val420Gly (NM_001321728.1); c.1064T>G, p.Val355Gly (NM_145074.2); c.*643A>C (NM_001289164.3, NM_001289165.2, NM_032603.5); short protein forms V430G, V355G, V452G, V420G.
Identifiers: ClinVar variation 4778854 (VCV004778854.1).

ClinVar aggregate classification (germline): Uncertain significance (1 of 4 stars; one submission).

gnomAD v4.1: 1 of 1,613,826 alleles (0.000062%); highest among the groups gnomAD compares: African/African-American, 0.0013%; no homozygotes.

Submission:

Labcorp Genetics (formerly Invitae), Labcorp
Classification: Uncertain significance. Last evaluated: 2025-07-28. Review status: criteria provided, single submitter. Criteria: Invitae Variant Classification Sherloc (09022015). Collection method: clinical testing. Allele origin: germline.
Comment: This sequence change replaces valine, which is neutral and non-polar, with glycine, which is neutral and non-polar, at codon 452 of the HTRA2 protein (p.Val452Gly). This variant is not present in population databases (gnomAD no frequency). This variant has not been reported in the literature in individuals affected with HTRA2-related conditions. Invitae Evidence Modeling of protein sequence and biophysical properties (such as structural, functional, and spatial information, amino acid conservation, physicochemical variation, residue mobility, and thermodynamic stability) indicates that this missense variant is expected to disrupt HTRA2 protein function with a positive predictive value of 80%. In summary, the available evidence is currently insufficient to determine the role of this variant in disease. Therefore, it has been classified as a Variant of Uncertain Significance.